The following is an entry in ClinVar:

ClinVar aggregate classification (germline): Uncertain significance (1 of 4 stars; one submission).

Conditions:
Brugada syndrome. Also called: Sudden Unexplained Death Syndrome; Sudden Unexplained Nocturnal Death Syndrome (SUNDS); Sudden unexpected nocturnal death syndrome; Sudden unexplained nocturnal death syndrome. Identifiers: Orphanet 130, MedGen C1142166, MONDO:0015263.

gnomAD v4.1: 1 of 1,613,862 alleles (0.000062%); highest among the groups gnomAD compares: Non-Finnish European, 0.000085%; no homozygotes.

Submission:

Labcorp Genetics (formerly Invitae), Labcorp
Classification: Uncertain significance for Brugada syndrome. Last evaluated: 2021-09-03. Review status: criteria provided, single submitter. Criteria: Invitae Variant Classification Sherloc (09022015). Collection method: clinical testing. Allele origin: germline.
Comment: In summary, the available evidence is currently insufficient to determine the role of this variant in disease. Therefore, it has been classified as a Variant of Uncertain Significance. Algorithms developed to predict the effect of missense changes on protein structure and function are either unavailable or do not agree on the potential impact of this missense change (SIFT: "Tolerated"; PolyPhen-2: "Probably Damaging"; Align-GVGD: "Class C0"). This variant has not been reported in the literature in individuals affected with SLMAP-related conditions. This variant is not present in population databases (ExAC no frequency). This sequence change replaces leucine with phenylalanine at codon 694 of the SLMAP protein (p.Leu694Phe). The leucine residue is highly conserved and there is a small physicochemical difference between leucine and phenylalanine.

NM_001377540.1(SLMAP):c.2182C>T (p.Leu728Phe)

Gene: SLMAP (sarcolemma associated protein; plus strand). Cytogenetic location: 3p14.3.
Variant type: single nucleotide variant.
Coding change: c.2182C>T on transcript NM_001377540.1 (MANE Select); coding-DNA position 2182, C replaced by T.
Protein change: p.Leu728Phe; replaces leucine 728 with phenylalanine.
Molecular consequence: missense variant. On other transcripts: non-coding transcript variant (1).
Genome position (GRCh38, 1-based): chr3:57,916,949, C>T. VCF-style: chr3-57916949-C-T. GRCh37 (hg19) VCF-style: chr3-57902676-C-T.
Other names: c.2131C>T, p.Leu711Phe (NM_001304420.3, NM_001377541.1, NM_001377542.1); c.2017C>T, p.Leu673Phe (NM_001304421.2, NM_001377557.1, NM_001377559.1); c.733C>T, p.Leu245Phe (NM_001304422.3, NM_001311178.2); c.535C>T, p.Leu179Phe (NM_001304423.3); c.610C>T, p.Leu204Phe (NM_001311179.2, NM_001377926.1, NM_001377927.1); c.2203C>T, p.Leu735Phe (NM_001377538.1); c.2182C>T, p.Leu728Phe (NM_001377539.1); c.2119C>T, p.Leu707Phe (NM_001377545.1); and 8 more; short protein forms L632F, L649F, L690F, L735F, L204F, L670F, L707F, L728F.
Identifiers: ClinVar variation 1392653 (VCV001392653.6), dbSNP rs2153698213, ClinGen allele CA353409897.
Genomic context (GRCh38, chr3:57,916,949, plus strand): 5'-CAATATTTATATTGCAGTTCTCAGAAGCAGAGTTTAGAGCTTACCAGTGATCTCAGCATC[C>T]TTCAAATGTCTAGGAAAGAACTTGAGAATCAAGTGGGATCCTTGAAAGAACAGCATCTTC-3'
Protein context (NP_001364469.1, residues 718-738): SLELTSDLSI[Leu728Phe]QMSRKELENQ